The following is an entry in ClinVar:

ClinVar aggregate classification (germline): Benign/Likely benign. Review status: criteria provided, multiple submitters, no conflicts (2 of 4 stars). 4 submissions from 4 submitters: Benign (1); Likely benign (3). Last evaluated 2025-10-01.

Conditions:
Familial thoracic aortic aneurysm and aortic dissection (TAAD). Also called: Thoracic aortic aneurysms and dissections. Identifiers: Orphanet 91387, MedGen C4707243, MONDO:0019625.
Aortic aneurysm, familial thoracic 7 (AAT7). Also called: AORTIC DISSECTION, FAMILIAL, WITH OR WITHOUT AORTIC ANEURYSM. Identifiers: MedGen C3151077, MONDO:0013418, OMIM 613780.

Allele frequency attached by ClinVar (database versions not stated): ExAC 0.00002; gnomAD exomes 0.00002 and 0.00004; gnomAD 0.00005; TOPMed 0.00006; 1000 Genomes Project 30x 0.00016; 1000 Genomes Project 0.00020.
gnomAD v4.1: 35 of 1,613,304 alleles (0.0022%); highest among the groups gnomAD compares: Admixed American, 0.01%; no homozygotes.

Submissions (4):

CeGaT Center for Human Genetics Tuebingen
Classification: Likely benign. Last evaluated: 2025-10-01. Review status: criteria provided, single submitter. Criteria: CeGaT Center For Human Genetics Tuebingen Variant Classification Criteria Version 2. Collection method: clinical testing. Allele origin: germline. Affected: yes. Observed: 1 variant allele.
Comment: MYLK: BP4, BP7

Labcorp Genetics (formerly Invitae), Labcorp
Classification: Likely benign for Aortic aneurysm, familial thoracic 7. Last evaluated: 2024-11-21. Review status: criteria provided, single submitter. Criteria: Invitae Variant Classification Sherloc (09022015). Collection method: clinical testing. Allele origin: germline.

Ambry Genetics
Classification: Likely benign for Familial thoracic aortic aneurysm and aortic dissection. Last evaluated: 2023-12-08. Review status: criteria provided, single submitter. Criteria: Ambry Variant Classification Scheme 2023. Collection method: clinical testing. Allele origin: germline.

Women's Health and Genetics/Laboratory Corporation of America, LabCorp
Classification: Benign. Last evaluated: 2023-08-10. Review status: criteria provided, single submitter. Criteria: LabCorp Variant Classification Summary - May 2015. Collection method: clinical testing. Allele origin: germline.

NM_053025.4(MYLK):c.2595C>T (p.Asp865=)

Gene: MYLK (myosin light chain kinase; minus strand). Cytogenetic location: 3q21.1.
Variant type: single nucleotide variant.
Coding change: c.2595C>T on transcript NM_053025.4 (MANE Select); coding-DNA position 2595, C replaced by T.
Protein change: p.Asp865=; no amino-acid change (aspartic acid 865 retained).
Molecular consequence: synonymous variant.
Genome position (GRCh38, 1-based): chr3:123,700,873, G>A on the plus strand (C>T on the coding strand, the complement: MYLK is on the minus strand). VCF-style: chr3-123700873-G-A. GRCh37 (hg19) VCF-style: chr3-123419720-G-A.
Other names: c.2067C>T, p.Asp689= (NM_001321309.2); c.2388C>T, p.Asp796= (NM_053026.4, NM_053028.4); c.2595C>T, p.Asp865= (NM_053027.4).
Identifiers: ClinVar variation 415757 (VCV000415757.15), dbSNP rs567610011, ClinGen allele CA068759.
Genomic context (GRCh38, chr3:123,700,873, plus strand): 5'-CTCCTCAGTGTGCTGCCTCGTCTCCACGCGCCTCTTCAGCACCCCTCGCACGTCCTCGCC[G>A]TCTTCCTCCTCTAGCCAACCCTGCCCTCTTGCTGGCCAGCCAGGCCTCAGGGACCCATAG-3'
Protein context (NP_444253.3, residues 855-875): ARGQGWLEEE[Asp865=]GEDVRGVLKR